The following is an entry in ClinVar:

ClinVar aggregate classification (germline): Benign (1 of 4 stars; one submission).

Allele frequency attached by ClinVar (database versions not stated): ESP Exome Variant Server 0.63929; gnomAD 0.65111; gnomAD exomes 0.65127; TOPMed 0.66797; ExAC 0.71441; 1000 Genomes Project 30x 0.74204; 1000 Genomes Project 0.74501.
gnomAD v4.1: 996,351 of 1,527,004 alleles (65%); highest among the groups gnomAD compares: East Asian, 92%; 329,759 homozygotes.

Submission:

Unidad de Genómica Garrahan, Hospital de Pediatría Garrahan
Classification: Benign. Last evaluated: 2024-01-24. Review status: criteria provided, single submitter. Criteria: ACMG Guidelines, 2015. Collection method: clinical testing. Allele origin: germline. Affected: no. Observed: 92 variant alleles.
Comment: This variant is classified as Benign based on local population frequency. This variant was detected in 97% of patients studied by a panel of primary immunodeficiencies. Number of patients: 92. Only high quality variants are reported.

NM_001144958.2(CRACR2A):c.1165-42A>G

Gene: CRACR2A (calcium release activated channel regulator 2A; minus strand). Cytogenetic location: 12p13.32.
Variant type: single nucleotide variant.
Coding change: c.1165-42A>G on transcript NM_001144958.2 (MANE Select); 42 bases into the intron before coding-DNA position 1165, A replaced by G.
Molecular consequence: intron variant.
Genome position (GRCh38, 1-based): chr12:3,641,880, T>C on the plus strand (A>G on the coding strand, the complement: CRACR2A is on the minus strand). VCF-style: chr12-3641880-T-C. GRCh37 (hg19) VCF-style: chr12-3751046-T-C.
Identifiers: ClinVar variation 2688283 (VCV002688283.2), dbSNP rs7297853, ClinGen allele CA6394448.